The following is an entry in ClinVar:

NM_004484.4(GPC3):c.779G>C (p.Trp260Ser)

Gene: GPC3 (glypican 3; minus strand). Cytogenetic location: Xq26.2.
Variant type: single nucleotide variant.
Coding change: c.779G>C on transcript NM_004484.4 (MANE Select); coding-DNA position 779, G replaced by C.
Protein change: p.Trp260Ser; replaces tryptophan 260 with serine.
Molecular consequence: missense variant.
Genome position (GRCh38, 1-based): chrX:133,753,735, C>G on the plus strand (G>C on the coding strand, the complement: GPC3 is on the minus strand). VCF-style: chrX-133753735-C-G. GRCh37 (hg19) VCF-style: chrX-132887762-C-G.
Other names: c.779G>C, p.Trp260Ser (NM_001164617.2); c.731G>C, p.Trp244Ser (NM_001164618.2); c.617G>C, p.Trp206Ser (NM_001164619.2); short protein forms W260S, W206S, W244S.
Identifiers: ClinVar variation 2790205 (VCV002790205.3), dbSNP rs2521354971, ClinGen allele CA414705872.
Genomic context (GRCh38, chrX:133,753,735, plus strand): 5'-ACATTGCAGTAACCGCCACAGGGTTTAACCATCATCAGTCCCTGGCAGTAAGAGCAGTAC[C>G]ACATTCTGGTGAGCATTCGGCCACAGTCCTTACTGAACTTCAGGTGATCAGTTGTGTTGA-3'
Protein context (NP_004475.1, residues 250-270): KDCGRMLTRM[Trp260Ser]YCSYCQGLMM

ClinVar aggregate classification (germline): Uncertain significance (1 of 4 stars; one submission).

Conditions:
Wilms tumor 1 (WT1). Also called: Wilms tumor, somatic. Identifiers: Orphanet 654, MedGen CN033288, MONDO:0008679, OMIM 194070.

Submission:

Labcorp Genetics (formerly Invitae), Labcorp
Classification: Uncertain significance for Wilms tumor 1. Last evaluated: 2023-08-22. Review status: criteria provided, single submitter. Criteria: Invitae Variant Classification Sherloc (09022015). Collection method: clinical testing. Allele origin: germline.
Comment: This variant is not present in population databases (gnomAD no frequency). In summary, the available evidence is currently insufficient to determine the role of this variant in disease. Therefore, it has been classified as a Variant of Uncertain Significance. Advanced modeling of protein sequence and biophysical properties (such as structural, functional, and spatial information, amino acid conservation, physicochemical variation, residue mobility, and thermodynamic stability) performed at Invitae indicates that this missense variant is not expected to disrupt GPC3 protein function. This variant has not been reported in the literature in individuals affected with GPC3-related conditions. This sequence change replaces tryptophan, which is neutral and slightly polar, with serine, which is neutral and polar, at codon 260 of the GPC3 protein (p.Trp260Ser).